The following is an entry in ClinVar:

ClinVar aggregate classification (germline): Uncertain significance (1 of 4 stars; one submission).

gnomAD v4.1: 6 of 1,612,378 alleles (0.00037%); highest among the groups gnomAD compares: East Asian, 0.0022%; no homozygotes.

Submission:

Women's Health and Genetics/Laboratory Corporation of America, LabCorp
Classification: Uncertain significance. Last evaluated: 2023-05-16. Review status: criteria provided, single submitter. Criteria: LabCorp Variant Classification Summary - May 2015. Collection method: clinical testing. Allele origin: germline.
Comment: Variant summary: CPS1 c.2002C>T (p.Pro668Ser) results in a non-conservative amino acid change located in the Carbamoyl-phosphate synthetase large subunit-like, ATP-binding domain (IPR005479) of the encoded protein sequence. Five of five in-silico tools predict a damaging effect of the variant on protein function. The variant was absent in 250446 control chromosomes (gnomAD). The available data on variant occurrences in the general population are insufficient to allow any conclusion about variant significance. c.2002C>T has been reported in the literature in an individual affected with neonatal onset Carbamoylphosphate Synthetase I Deficiency (example: Yamaguchi_2016). These data do not allow any conclusion about variant significance. To our knowledge, no experimental evidence demonstrating an impact on protein function has been reported. The following publications have been ascertained in the context of this evaluation (PMID: 21108709, 27150549). No clinical diagnostic laboratories have submitted clinical-significance assessments for this variant to ClinVar after 2014. Based on the evidence outlined above, the variant was classified as uncertain significance.

Literature cited by the submitters: PubMed 27150549; PubMed 21108709.

NM_001875.5(CPS1):c.2002C>T (p.Pro668Ser)

Gene: CPS1 (carbamoyl-phosphate synthase 1; plus strand). Cytogenetic location: 2q34.
Variant type: single nucleotide variant.
Coding change: c.2002C>T on transcript NM_001875.5 (MANE Select); coding-DNA position 2002, C replaced by T.
Protein change: p.Pro668Ser; replaces proline 668 with serine.
Molecular consequence: missense variant. On other transcripts: non-coding transcript variant (2).
Genome position (GRCh38, 1-based): chr2:210,606,751, C>T. VCF-style: chr2-210606751-C-T. GRCh37 (hg19) VCF-style: chr2-211471475-C-T.
Other names: c.2002C>T, p.Pro668Ser (NM_001122633.3, NM_001369257.1); c.2035C>T, p.Pro679Ser (NM_001369256.1); short protein forms P668S, P679S.
Identifiers: ClinVar variation 2506271 (VCV002506271.1), dbSNP rs776711741, ClinGen allele CA350438826.